The following is an entry in ClinVar:

NM_004329.3(BMPR1A):c.531-10T>C

Gene: BMPR1A (bone morphogenetic protein receptor type 1A; plus strand). Cytogenetic location: 10q23.2.
Variant type: single nucleotide variant.
Coding change: c.531-10T>C on transcript NM_004329.3 (MANE Select); 10 bases into the intron before coding-DNA position 531, T replaced by C.
Molecular consequence: intron variant.
Genome position (GRCh38, 1-based): chr10:86,912,230, T>C. VCF-style: chr10-86912230-T-C. GRCh37 (hg19) VCF-style: chr10-88671987-T-C.
Other names: c.531-10T>C (NM_001406562.1, NM_001406568.1, NM_001406567.1 and 20 more transcripts); c.447-10T>C (NM_001406584.1, NM_001406588.1, NM_001406587.1 and 2 more transcripts); c.579-10T>C (NM_001406560.1); c.606-10T>C (NM_001406559.1); c.334-4904T>C (NM_001406589.1).
Identifiers: ClinVar variation 2786756 (VCV002786756.4), dbSNP rs1168756727, ClinGen allele CA669460749.

ClinVar aggregate classification (germline): Likely benign. Review status: criteria provided, multiple submitters, no conflicts (2 of 4 stars). 2 submissions from 2 submitters: Likely benign (2). Last evaluated 2024-08-01.

Conditions:
Juvenile polyposis syndrome (JPS). Identifiers: Orphanet 2929, MedGen C0345893, MONDO:0017380, OMIM 174900.

Allele frequency attached by ClinVar (database versions not stated): TOPMed below 0.00001.

Submissions (2):

Myriad Genetics, Inc.
Classification: Likely benign for Juvenile polyposis syndrome. Last evaluated: 2024-08-01. Review status: criteria provided, single submitter. Criteria: Myriad Autosomal Dominant, Autosomal Recessive and X-Linked Classification Criteria (2023). Collection method: clinical testing. Allele origin: unknown.
Comment: This variant is considered likely benign. This variant is intronic and is not expected to impact mRNA splicing.

Labcorp Genetics (formerly Invitae), Labcorp
Classification: Likely benign for Juvenile polyposis syndrome. Last evaluated: 2024-05-18. Review status: criteria provided, single submitter. Criteria: Invitae Variant Classification Sherloc (09022015). Collection method: clinical testing. Allele origin: germline.